The following is an entry in ClinVar:

ClinVar aggregate classification (germline): Uncertain significance (1 of 4 stars; one submission).

Allele frequency attached by ClinVar (database versions not stated): ExAC 0.00002.
gnomAD v4.1: 46 of 1,613,976 alleles (0.0029%); highest among the groups gnomAD compares: African/African-American, 0.0093%; no homozygotes.

Submission:

Women's Health and Genetics/Laboratory Corporation of America, LabCorp
Classification: Uncertain significance. Last evaluated: 2023-09-26. Review status: criteria provided, single submitter. Criteria: LabCorp Variant Classification Summary - May 2015. Collection method: clinical testing. Allele origin: germline.
Comment: Variant summary: PRKD1 c.1570G>A (p.Val524Ile) results in a conservative amino acid change located in the Pleckstrin homology domain (IPR001849) of the encoded protein sequence. Five of five in-silico tools predict a benign effect of the variant on protein function. The variant allele was found at a frequency of 2.4e-05 in 251228 control chromosomes (gnomAD). The available data on variant occurrences in the general population are insufficient to allow any conclusion about variant significance. To our knowledge, no occurrence of c.1570G>A in individuals affected with Congenital Heart Defects And Ectodermal Dysplasia and no experimental evidence demonstrating its impact on protein function have been reported. No submitters have cited clinical-significance assessments for this variant to ClinVar after 2014. Based on the evidence outlined above, the variant was classified as uncertain significance.

NM_002742.3(PRKD1):c.1570G>A (p.Val524Ile)

Gene: PRKD1 (protein kinase D1; minus strand). Cytogenetic location: 14q12.
Variant type: single nucleotide variant.
Coding change: c.1570G>A on transcript NM_002742.3 (MANE Select); coding-DNA position 1570, G replaced by A.
Protein change: p.Val524Ile; replaces valine 524 with isoleucine.
Molecular consequence: missense variant.
Genome position (GRCh38, 1-based): chr14:29,630,844, C>T on the plus strand (G>A on the coding strand, the complement: PRKD1 is on the minus strand). VCF-style: chr14-29630844-C-T. GRCh37 (hg19) VCF-style: chr14-30100050-C-T.
Other names: c.1594G>A, p.Val532Ile (NM_001330069.2); c.1306G>A, p.Val436Ile (NM_001348390.1); short protein forms V436I, V524I, V532I.
Identifiers: ClinVar variation 2627323 (VCV002627323.1), dbSNP rs369255115, ClinGen allele CA7141133.